The following is an entry in ClinVar:

ClinVar aggregate classification (germline): Conflicting classifications of pathogenicity. Review status: criteria provided, conflicting classifications (1 of 4 stars). 4 submissions from 4 submitters: Pathogenic (2); Likely pathogenic (1); Uncertain significance (1). Last evaluated 2025-10-27.

Conditions:
Inborn genetic diseases. Identifiers: MedGen C0950123, MeSH D030342.
TCF12-related craniosynostosis. Also called: Craniosynostosis 3. Identifiers: Orphanet 35098, Orphanet 35099, Orphanet 672979, MedGen C3715051, MONDO:0014128, OMIM 615314.

Allele frequency attached by ClinVar (database versions not stated): gnomAD exomes below 0.00001; TOPMed below 0.00001.
gnomAD v4.1: 4 of 1,614,196 alleles (0.00025%); highest among the groups gnomAD compares: Non-Finnish European, 0.000085%; no homozygotes.

Submissions (4):

Ambry Genetics
Classification: Uncertain significance for Inborn genetic diseases. Last evaluated: 2025-10-27. Review status: criteria provided, single submitter. Criteria: Ambry Variant Classification Scheme 2023. Collection method: clinical testing. Allele origin: germline.
Comment: The c.1838G>A (p.R613H) alteration is located in exon 19 (coding exon 18) of the TCF12 gene. This alteration results from a G to A substitution at nucleotide position 1838, causing the arginine (R) at amino acid position 613 to be replaced by a histidine (H). This variant was not reported in population-based cohorts in the Genome Aggregation Database (gnomAD). This variant was reported in individual(s) with features consistent with TCF12-related disease (di Rocco, 2014; Kennedy-Williams, 2021). This amino acid position is highly conserved in available vertebrate species. This missense alteration is located in a region that has a low rate of benign missense variation (Lek, 2016; Firth, 2009). This alteration is predicted to be deleterious by in silico analysis. Based on insufficient or conflicting evidence, the clinical significance of this alteration remains unclear.

GeneDx
Classification: Pathogenic. Last evaluated: 2025-04-18. Review status: criteria provided, single submitter. Criteria: GeneDx Variant Classification Process June 2021. Collection method: clinical testing. Allele origin: germline.
Comment: Not observed at significant frequency in large population cohorts (gnomAD); In silico analysis supports that this missense variant has a deleterious effect on protein structure/function; This variant is associated with the following publications: (PMID: 33004838, 24736737, 33904513)

Baylor Genetics
Classification: Likely pathogenic for TCF12-related craniosynostosis. Last evaluated: 2019-07-19. Review status: criteria provided, single submitter. Criteria: ACMG Guidelines, 2015. Collection method: clinical testing. Allele origin: de novo. Affected: yes.
Comment: This variant was determined to be likely pathogenic according to ACMG Guidelines, 2015 [PMID:25741868].

UF de Génétique Moléculaire, Hôpital Lariboisière
Classification: Pathogenic for Craniosynostosis 3. Last evaluated: 2013-09-02. Review status: criteria provided, single submitter. Criteria: Submitter's publication. Collection method: research. Allele origin: germline. Affected: yes. Study: Clinical spectrum and outcomes in families with coronal synostosis and TCF12 mutations.

Literature cited by the submitters: PubMed 24736737 (cited by Ambry Genetics); PubMed 33904513 (cited by Ambry Genetics).

NM_207037.2(TCF12):c.1838G>A (p.Arg613His)

Gene: TCF12 (transcription factor 12; plus strand). Cytogenetic location: 15q21.3.
Variant type: single nucleotide variant.
Coding change: c.1838G>A on transcript NM_207037.2 (MANE Select); coding-DNA position 1838, G replaced by A.
Protein change: p.Arg613His; replaces arginine 613 with histidine.
Molecular consequence: missense variant.
Genome position (GRCh38, 1-based): chr15:57,273,122, G>A. VCF-style: chr15-57273122-G-A. GRCh37 (hg19) VCF-style: chr15-57565320-G-A.
Other names: c.1328G>A, p.Arg443His (NM_001306219.3); c.1058G>A, p.Arg353His (NM_001306220.3); c.1838G>A, p.Arg613His (NM_001322151.2, NM_001322159.3, NM_001322162.2 and 1 more transcripts); c.1835G>A, p.Arg612His (NM_001322152.2, NM_001322161.2); c.1181G>A, p.Arg394His (NM_001322154.2); c.1664G>A, p.Arg555His (NM_001322156.2); c.1766G>A, p.Arg589His (NM_001322157.3, NM_001322165.2, NM_003205.4 and 1 more transcripts); c.1592G>A, p.Arg531His (NM_001322158.2); and 3 more; short protein forms R613H, R353H, R612H, R419H, R443H, R531H, R555H, R394H.
Identifiers: ClinVar variation 127272 (VCV000127272.6), dbSNP rs730880016, ClinGen allele CA185937.
Genomic context (GRCh38, chr15:57,273,122, plus strand): 5'-AACAGAAGATAGAAAGGGAGAAGGAGAGGCGGATGGCTAACAATGCCAGAGAACGCTTAC[G>A]CGTGCGGGATATTAATGAAGCATTCAAAGAGCTTGGCCGAATGTGTCAGCTTCACTTGAA-3'
Protein context (NP_996920.1, residues 603-623): RMANNARERL[Arg613His]VRDINEAFKE